The following is an entry in ClinVar:

NM_015139.3(SLC35D1):c.1028C>T (p.Ala343Val)

Gene: SLC35D1 (solute carrier family 35 member D1; minus strand). Cytogenetic location: 1p31.3.
Variant type: single nucleotide variant.
Coding change: c.1028C>T on transcript NM_015139.3 (MANE Select); coding-DNA position 1028, C replaced by T.
Protein change: p.Ala343Val; replaces alanine 343 with valine.
Molecular consequence: missense variant.
Genome position (GRCh38, 1-based): chr1:67,004,380, G>A on the plus strand (C>T on the coding strand, the complement: SLC35D1 is on the minus strand). VCF-style: chr1-67004380-G-A. GRCh37 (hg19) VCF-style: chr1-67470063-G-A.
Other names: short protein forms A343V.
Identifiers: ClinVar variation 3319586 (VCV003319586.3).

ClinVar aggregate classification (germline): Uncertain significance. Review status: criteria provided, multiple submitters, no conflicts (2 of 4 stars). 2 submissions from 2 submitters: Uncertain significance (2). Last evaluated 2025-03-01.

Conditions:
Schneckenbecken dysplasia. Identifiers: Orphanet 3144, MedGen C0432194, MONDO:0010013, OMIM 269250.
Inborn genetic diseases. Identifiers: MedGen C0950123, MeSH D030342.

gnomAD v4.1: 16 of 1,613,856 alleles (0.00099%); highest among the groups gnomAD compares: Non-Finnish European, 0.0014%; no homozygotes.

Submissions (2):

Labcorp Genetics (formerly Invitae), Labcorp
Classification: Uncertain significance for Schneckenbecken dysplasia. Last evaluated: 2025-03-01. Review status: criteria provided, single submitter. Criteria: Invitae Variant Classification Sherloc (09022015). Collection method: clinical testing. Allele origin: germline.
Comment: This sequence change replaces alanine, which is neutral and non-polar, with valine, which is neutral and non-polar, at codon 343 of the SLC35D1 protein (p.Ala343Val). This variant is present in population databases (no rsID available, gnomAD 0.002%). This variant has not been reported in the literature in individuals affected with SLC35D1-related conditions. ClinVar contains an entry for this variant (Variation ID: 3319586). An algorithm developed to predict the effect of missense changes on protein structure and function (PolyPhen-2) suggests that this variant is likely to be tolerated. In summary, the available evidence is currently insufficient to determine the role of this variant in disease. Therefore, it has been classified as a Variant of Uncertain Significance.

Ambry Genetics
Classification: Uncertain significance for Inborn genetic diseases. Last evaluated: 2024-04-23. Review status: criteria provided, single submitter. Criteria: Ambry Variant Classification Scheme 2023. Collection method: clinical testing. Allele origin: germline.